The following is an entry in ClinVar:

ClinVar aggregate classification (germline): Uncertain significance (1 of 4 stars; one submission).

Conditions:
Hereditary cancer-predisposing syndrome. Also called: Neoplastic Syndromes, Hereditary; Tumor predisposition; Hereditary Cancer Syndrome; Hereditary neoplastic syndrome. Identifiers: Orphanet 140162, MedGen C0027672, MeSH D009386, MONDO:0015356.

Submission:

Ambry Genetics
Classification: Uncertain significance for Hereditary cancer-predisposing syndrome. Last evaluated: 2022-01-21. Review status: criteria provided, single submitter. Criteria: Ambry Variant Classification Scheme 2023. Collection method: clinical testing. Allele origin: germline.
Comment: The p.K486I variant (also known as c.1457A>T), located in coding exon 12 of the MRE11A gene, results from an A to T substitution at nucleotide position 1457. The lysine at codon 486 is replaced by isoleucine, an amino acid with dissimilar properties. This amino acid position is conserved. In addition, the in silico prediction for this alteration is inconclusive. Since supporting evidence is limited at this time, the clinical significance of this alteration remains unclear.

NM_005591.4(MRE11):c.1457A>T (p.Lys486Ile)

Gene: MRE11 (MRE11 double strand break repair nuclease; minus strand). Cytogenetic location: 11q21.
Variant type: single nucleotide variant.
Coding change: c.1457A>T on transcript NM_005591.4 (MANE Select); coding-DNA position 1457, A replaced by T.
Protein change: p.Lys486Ile; replaces lysine 486 with isoleucine.
Molecular consequence: missense variant.
Genome position (GRCh38, 1-based): chr11:94,459,451, T>A on the plus strand (A>T on the coding strand, the complement: MRE11 is on the minus strand). VCF-style: chr11-94459451-T-A. GRCh37 (hg19) VCF-style: chr11-94192617-T-A.
Other names: c.1457A>T, p.Lys486Ile (NM_001330347.2, NM_005590.4); short protein forms K486I.
Identifiers: ClinVar variation 1799768 (VCV001799768.2), dbSNP rs1352090447, ClinGen allele CA382371768.